The following is an entry in ClinVar:

ClinVar aggregate classification (germline): Likely pathogenic (1 of 4 stars; one submission).

Submission:

GeneDx
Classification: Likely pathogenic. Last evaluated: 2016-06-21. Review status: criteria provided, single submitter. Criteria: GeneDx Variant Classification (06012015). Collection method: clinical testing. Allele origin: germline. Affected: yes.
Comment: The P24A variant in the PURA gene has not been reported previously as a pathogenic variant, nor as a benign variant, to our knowledge. The P24A variant was not observed in approximately 1400 individuals of European and African American ancestry in the NHLBI Exome Sequencing Project, indicating it is not a common benign variant in these populations. The P24A variant is a semi-conservative amino acid substitution, which may impact secondary protein structure as these residues differ in some properties. This substitution occurs in a Glycine-rich region, at a position that is conserved in mammals. In silico analysis is inconsistent in its predictions as to whether or not the variant is damaging to the protein structure/function. Therefore, we interpret P24A as a likely pathogenic variant.

NM_005859.5(PURA):c.70C>G (p.Pro24Ala)

Gene: PURA (purine rich element binding protein A; plus strand). Cytogenetic location: 5q31.3.
Variant type: single nucleotide variant.
Coding change: c.70C>G on transcript NM_005859.5 (MANE Select); coding-DNA position 70, C replaced by G.
Protein change: p.Pro24Ala; replaces proline 24 with alanine.
Molecular consequence: missense variant.
Genome position (GRCh38, 1-based): chr5:140,114,251, C>G. VCF-style: chr5-140114251-C-G. GRCh37 (hg19) VCF-style: chr5-139493836-C-G.
Other names: short protein forms P24A.
Identifiers: ClinVar variation 421476 (VCV000421476.2), dbSNP rs1064795164, ClinGen allele CA16618120.
Genomic context (GRCh38, chr5:140,114,251, plus strand): 5'-CGAGACAGCGGCAGCGAGCAGGGTGGTGCGGCGCTGGGTTCGGGCGGCTCCCTGGGGCAC[C>G]CCGGCTCGGGCTCAGGCTCCGGCGGGGGCGGTGGTGGCGGCGGGGGCGGCGGCGGCAGTG-3'
Protein context (NP_005850.1, residues 14-34): ALGSGGSLGH[Pro24Ala]GSGSGSGGGG